The following is an entry in ClinVar:

ClinVar aggregate classification (germline): Likely benign. Review status: criteria provided, multiple submitters, no conflicts (2 of 4 stars). 2 submissions from 2 submitters: Likely benign (2). Last evaluated 2026-05-26.

Conditions:
MERTK-related disorder. Also called: MERTK-related condition.

Allele frequency attached by ClinVar (database versions not stated): ExAC 0.00002; gnomAD exomes 0.00002 and 0.00003; gnomAD 0.00004; TOPMed 0.00004.
gnomAD v4.1: 53 of 1,613,504 alleles (0.0033%); highest among the groups gnomAD compares: Non-Finnish European, 0.0042%; no homozygotes.

Submissions (2):

PreventionGenetics, part of Exact Sciences
Classification: Likely benign for MERTK-related condition. Last evaluated: 2026-05-26. Review status: criteria provided, single submitter. Criteria: ACMG Guidelines, 2015. Collection method: clinical testing. Allele origin: germline.
Comment: This variant is classified as likely benign based on ACMG/AMP sequence variant interpretation guidelines (Richards et al. 2015 PMID: 25741868, with internal and published modifications).

Labcorp Genetics (formerly Invitae), Labcorp
Classification: Likely benign. Last evaluated: 2025-09-01. Review status: criteria provided, single submitter. Criteria: Invitae Variant Classification Sherloc (09022015). Collection method: clinical testing. Allele origin: germline.

NM_006343.3(MERTK):c.2046C>T (p.Tyr682=)

Gene: MERTK (MER proto-oncogene, tyrosine kinase; plus strand). Cytogenetic location: 2q13.
Variant type: single nucleotide variant.
Coding change: c.2046C>T on transcript NM_006343.3 (MANE Select); coding-DNA position 2046, C replaced by T.
Protein change: p.Tyr682=; no amino-acid change (tyrosine 682 retained).
Molecular consequence: synonymous variant.
Genome position (GRCh38, 1-based): chr2:112,010,033, C>T. VCF-style: chr2-112010033-C-T. GRCh37 (hg19) VCF-style: chr2-112767610-C-T.
Other names: c.2046C>T (NM_006343.2).
Identifiers: ClinVar variation 1149135 (VCV001149135.10), dbSNP rs778709975, ClinGen allele CA1831649.